The following is an entry in ClinVar:

NM_004006.3(DMD):c.1712T>C (p.Phe571Ser)

Gene: DMD (dystrophin; minus strand). Cytogenetic location: Xp21.1.
Variant type: single nucleotide variant.
Coding change: c.1712T>C on transcript NM_004006.3 (MANE Select); coding-DNA position 1712, T replaced by C.
Protein change: p.Phe571Ser; replaces phenylalanine 571 with serine.
Molecular consequence: missense variant.
Genome position (GRCh38, 1-based): chrX:32,573,630, A>G on the plus strand (T>C on the coding strand, the complement: DMD is on the minus strand). VCF-style: chrX-32573630-A-G. GRCh37 (hg19) VCF-style: chrX-32591747-A-G.
Other names: c.1688T>C, p.Phe563Ser (NM_000109.4); c.1700T>C, p.Phe567Ser (NM_004009.3); c.1343T>C, p.Phe448Ser (NM_004010.3); short protein forms F448S, F571S, F563S, F567S.
Identifiers: ClinVar variation 645493 (VCV000645493.13), dbSNP rs1326680081, ClinGen allele CA412673286.
Genomic context (GRCh38, chrX:32,573,630, plus strand): 5'-TTAAAGCCAGTTGTGTGAATCTTGTTCACTGCATCTTCTTTTTCTGAAAGCCATGCACTA[A>G]AAAGGCACTGCAAGACATTAAAGAATTCCAAGGAATAAATAAACATAAATCTTTACTTTT-3'
Protein context (NP_003997.2, residues 561-581): WQRLTEEQCL[Phe571Ser]SAWLSEKEDA

ClinVar aggregate classification (germline): Conflicting classifications of pathogenicity. Review status: criteria provided, conflicting classifications (1 of 4 stars). 4 submissions from 4 submitters: Uncertain significance (2); Likely benign (1). 1 of the submissions does not count toward it. Last evaluated 2026-01-05.

Conditions:
Cardiovascular phenotype. Identifiers: MedGen CN230736.
Duchenne muscular dystrophy (DMD). Also called: MUSCULAR DYSTROPHY, PSEUDOHYPERTROPHIC PROGRESSIVE, DUCHENNE TYPE; Duchenne Muscular Dystrophy (DMD). Identifiers: Orphanet 98896, MedGen C0013264, MONDO:0010679, OMIM 310200.
Dystrophin deficiency.

Allele frequency attached by ClinVar (database versions not stated): gnomAD exomes below 0.00001; gnomAD 0.00001; TOPMed 0.00002.
gnomAD v4.1: 7 of 1,206,670 alleles (0.00058%); highest among the groups gnomAD compares: African/African-American, 0.01%; no homozygotes.

Submissions (4):

Labcorp Genetics (formerly Invitae), Labcorp
Classification: Uncertain significance for Duchenne muscular dystrophy. Last evaluated: 2026-01-05. Review status: criteria provided, single submitter. Criteria: Invitae Variant Classification Sherloc (09022015). Collection method: clinical testing. Allele origin: germline.
Comment: This sequence change replaces phenylalanine, which is neutral and non-polar, with serine, which is neutral and polar, at codon 571 of the DMD protein (p.Phe571Ser). This variant is present in population databases (no rsID available, gnomAD 0.02%). This variant has not been reported in the literature in individuals affected with DMD-related conditions. ClinVar contains an entry for this variant (Variation ID: 645493). Invitae Evidence Modeling of protein sequence and biophysical properties (such as structural, functional, and spatial information, amino acid conservation, physicochemical variation, residue mobility, and thermodynamic stability) indicates that this missense variant is not expected to disrupt DMD protein function with a negative predictive value of 95%. In summary, the available evidence is currently insufficient to determine the role of this variant in disease. Therefore, it has been classified as a Variant of Uncertain Significance.

Ambry Genetics
Classification: Uncertain significance for Cardiovascular phenotype. Last evaluated: 2024-01-11. Review status: criteria provided, single submitter. Criteria: Ambry Variant Classification Scheme 2023. Collection method: clinical testing. Allele origin: germline.
Comment: The p.F571S variant (also known as c.1712T>C), located in coding exon 15 of the DMD gene, results from a T to C substitution at nucleotide position 1712. The phenylalanine at codon 571 is replaced by serine, an amino acid with highly dissimilar properties. Based on data from gnomAD, the C allele has an overall frequency of <0.01% (1/22099) total alleles studied, with 0 hemizygote(s) observed. The highest observed frequency was 1.7% (1/5951) of African alleles. This amino acid position is highly conserved in available vertebrate species. In addition, this alteration is predicted to be deleterious by in silico analysis. Since supporting evidence is limited at this time, the clinical significance of this alteration remains unclear.

GeneDx
Classification: Likely benign. Last evaluated: 2018-10-05. Review status: criteria provided, single submitter. Criteria: GeneDx Variant Classification Process June 2021. Collection method: clinical testing. Allele origin: germline. Affected: yes.

Natera, Inc.
Classification: Uncertain significance for Dystrophin deficiency. Last evaluated: 2020-09-16. Review status: no assertion criteria provided. Collection method: clinical testing. Allele origin: germline. Not counted in ClinVar's aggregate classification.